The following is an entry in ClinVar:

ClinVar aggregate classification (germline): Uncertain significance. Review status: criteria provided, multiple submitters, no conflicts (2 of 4 stars). 2 submissions from 2 submitters: Uncertain significance (2). Last evaluated 2024-04-04.

Conditions:
Congenital adrenal hypoplasia, X-linked (AHC). Also called: Isolated X-Linked Adrenal Hypoplasia Congenita; ADRENAL HYPOPLASIA, CONGENITAL, WITH HYPOGONADOTROPIC HYPOGONADISM; X-linked AHC; X-Linked Adrenal Hypoplasia Congenita. Identifiers: Orphanet 95702, MedGen C0342482, MONDO:0010264, OMIM 300200. Disease mechanism: loss of function.

Allele frequency attached by ClinVar (database versions not stated): gnomAD exomes below 0.00001 and 0.00001.
gnomAD v4.1: 1 of 1,208,658 alleles (0.000083%); highest among the groups gnomAD compares: East Asian, 0.003%; no homozygotes.

Submissions (2):

Genomic Medicine Center of Excellence, King Faisal Specialist Hospital and Research Centre
Classification: Uncertain significance for Congenital adrenal hypoplasia, X-linked. Last evaluated: 2024-04-04. Review status: criteria provided, single submitter. Criteria: ACMG Guidelines, 2015. Collection method: clinical testing. Allele origin: germline.

GeneDx
Classification: Uncertain significance. Last evaluated: 2019-04-01. Review status: criteria provided, single submitter. Criteria: GeneDx Variant Classification Process June 2021. Collection method: clinical testing. Allele origin: germline. Affected: yes.
Comment: In silico analysis, which includes protein predictors and evolutionary conservation, supports a deleterious effect; Has not been previously published as pathogenic or benign to our knowledge

NM_000475.5(NR0B1):c.764G>T (p.Cys255Phe)

Gene: NR0B1 (nuclear receptor subfamily 0 group B member 1; minus strand). Cytogenetic location: Xp21.2.
Variant type: single nucleotide variant.
Coding change: c.764G>T on transcript NM_000475.5 (MANE Select); coding-DNA position 764, G replaced by T.
Protein change: p.Cys255Phe; replaces cysteine 255 with phenylalanine.
Molecular consequence: missense variant.
Genome position (GRCh38, 1-based): chrX:30,308,600, C>A on the plus strand (G>T on the coding strand, the complement: NR0B1 is on the minus strand). VCF-style: chrX-30308600-C-A. GRCh37 (hg19) VCF-style: chrX-30326717-C-A.
Other names: short protein forms C255F.
Identifiers: ClinVar variation 1307309 (VCV001307309.3), dbSNP rs1001710892, ClinGen allele CA327976030.